The following is an entry in ClinVar:

ClinVar aggregate classification (germline): Benign/Likely benign. Review status: criteria provided, multiple submitters, no conflicts (2 of 4 stars). 3 submissions from 3 submitters: Benign (2); Likely benign (1). Last evaluated 2026-01-15.

Conditions:
Brachydactyly. Also called: Brachydactyly syndrome; Brachydactyly (disease). Identifiers: MedGen C0221357, MONDO:0021004, HP:0001156.
Acromesomelic dysplasia 3 (AMD3). Also called: CHONDRODYSPLASIA, ACROMESOMELIC, WITH OR WITHOUT GENITAL ANOMALIES; Acromesomelic dysplasia, Demirhan type. Identifiers: MedGen C4225404, MONDO:0012274, OMIM 609441.
Type A2 brachydactyly (BDA2). Also called: BRACHYMESOPHALANGY II; MOHR-WRIEDT TYPE BRACHYDACTYLY; Brachymesophalangy type 2. Identifiers: Orphanet 93396, MedGen C1832702, MONDO:0007216, OMIM 112600, HP:0009372.
Brachydactyly type A1D. Also called: Brachydactyly, type a1, d. Identifiers: Orphanet 93388, MedGen C4225183, MONDO:0014798, OMIM 616849.

Allele frequency attached by ClinVar (database versions not stated): ESP Exome Variant Server 0.00038; gnomAD 0.00041 and 0.00100; TOPMed 0.00054; 1000 Genomes Project 30x 0.00219; 1000 Genomes Project 0.00240; gnomAD exomes 0.00294; ExAC 0.00310.
gnomAD v4.1: 2,546 of 1,614,036 alleles (0.16%); highest among the groups gnomAD compares: South Asian, 2%; 37 homozygotes.

Submissions (3):

Labcorp Genetics (formerly Invitae), Labcorp
Classification: Benign for Type A2 brachydactyly; Acromesomelic dysplasia 3. Last evaluated: 2026-01-15. Review status: criteria provided, single submitter. Criteria: Invitae Variant Classification Sherloc (09022015). Collection method: clinical testing. Allele origin: germline.

Fulgent Genetics
Classification: Likely benign for Type A2 brachydactyly; Acromesomelic dysplasia 3; Brachydactyly type A1D. Last evaluated: 2021-12-23. Review status: criteria provided, single submitter. Criteria: ACMG Guidelines, 2015. Collection method: clinical testing. Allele origin: unknown.

Illumina Laboratory Services, Illumina
Classification: Benign for Brachydactyly. Last evaluated: 2018-01-13. Review status: criteria provided, single submitter. Criteria: ICSL Variant Classification Criteria 13 December 2019. Collection method: clinical testing. Allele origin: germline.
Comment: This variant was observed in the ICSL laboratory as part of a predisposition screen in an ostensibly healthy population. It had not been previously curated by ICSL or reported in the Human Gene Mutation Database (HGMD: prior to June 1st, 2018), and was therefore a candidate for classification through an automated scoring system. Utilizing variant allele frequency, disease prevalence and penetrance estimates, and inheritance mode, an automated score was calculated to assess if this variant is too frequent to cause the disease. Based on the score and internal cut-off values, a variant classified as benign is not then subjected to further curation. The score for this variant resulted in a classification of benign for this disease.

NM_001203.3(BMPR1B):c.1384-8T>C

Gene: BMPR1B (bone morphogenetic protein receptor type 1B; plus strand). Cytogenetic location: 4q22.3.
Variant type: single nucleotide variant.
Coding change: c.1384-8T>C on transcript NM_001203.3 (MANE Select); 8 bases into the intron before coding-DNA position 1384, T replaced by C.
Molecular consequence: intron variant.
Genome position (GRCh38, 1-based): chr4:95,154,540, T>C. VCF-style: chr4-95154540-T-C. GRCh37 (hg19) VCF-style: chr4-96075691-T-C.
Other names: c.1384-8T>C (NM_001256792.2, NM_001256794.1); c.1474-8T>C (NM_001256793.2).
Identifiers: ClinVar variation 350126 (VCV000350126.25), dbSNP rs201359647, ClinGen allele CA3015246.